The following is an entry in ClinVar:

NM_022437.3(ABCG8):c.215A>T (p.Lys72Met)

Gene: ABCG8 (ATP binding cassette subfamily G member 8; plus strand). Cytogenetic location: 2p21.
Variant type: single nucleotide variant.
Coding change: c.215A>T on transcript NM_022437.3 (MANE Select); coding-DNA position 215, A replaced by T.
Protein change: p.Lys72Met; replaces lysine 72 with methionine.
Molecular consequence: missense variant.
Genome position (GRCh38, 1-based): chr2:43,846,204, A>T. VCF-style: chr2-43846204-A-T. GRCh37 (hg19) VCF-style: chr2-44073343-A-T.
Other names: c.215A>T, p.Lys72Met (NM_001357321.2); c.215A>T (NM_022437.2); short protein forms K72M.
Identifiers: ClinVar variation 595965 (VCV000595965.13), dbSNP rs766529813, ClinGen allele CA1636941.
Genomic context (GRCh38, chr2:43,846,204, plus strand): 5'-TCTCCCCACAGGTGGACCTGGCCTCTCAGGTCCCTTGGTTTGAGCAGCTGGCTCAGTTCA[A>T]GATGCCCTGGACATCTCCCAGCTGCCAGAATTCTTGTGAGCTGGGCATCCAGAACCTAAG-3'
Protein context (NP_071882.1, residues 62-82): VPWFEQLAQF[Lys72Met]MPWTSPSCQN

ClinVar aggregate classification (germline): Uncertain significance. Review status: criteria provided, multiple submitters, no conflicts (2 of 4 stars). 4 submissions from 4 submitters: Uncertain significance (4). Last evaluated 2025-06-28.

Conditions:
Sitosterolemia 1. Identifiers: MedGen C2749759, MONDO:0020747, OMIM 210250.
Cardiovascular phenotype. Identifiers: MedGen CN230736.

Allele frequency attached by ClinVar (database versions not stated): ExAC 0.00001; gnomAD exomes 0.00001; gnomAD 0.00003; TOPMed 0.00003.
gnomAD v4.1: 6 of 1,613,972 alleles (0.00037%); highest among the groups gnomAD compares: African/African-American, 0.008%; no homozygotes.

Submissions (4):

Ambry Genetics
Classification: Uncertain significance for Cardiovascular phenotype. Last evaluated: 2025-06-28. Review status: criteria provided, single submitter. Criteria: Ambry Variant Classification Scheme 2023. Collection method: clinical testing. Allele origin: germline.
Comment: The p.K72M variant (also known as c.215A>T), located in coding exon 3 of the ABCG8 gene, results from an A to T substitution at nucleotide position 215. The lysine at codon 72 is replaced by methionine, an amino acid with similar properties. This amino acid position is conserved. In addition, the in silico prediction for this alteration is inconclusive. Since supporting evidence is limited at this time, the clinical significance of this alteration remains unclear.

Revvity Omics, Revvity
Classification: Uncertain significance for Sitosterolemia 1. Last evaluated: 2024-01-08. Review status: criteria provided, single submitter. Criteria: ACMG Guidelines, 2015. Collection method: clinical testing. Allele origin: germline.

Labcorp Genetics (formerly Invitae), Labcorp
Classification: Uncertain significance. Last evaluated: 2022-10-09. Review status: criteria provided, single submitter. Criteria: Invitae Variant Classification Sherloc (09022015). Collection method: clinical testing. Allele origin: germline.
Comment: In summary, the available evidence is currently insufficient to determine the role of this variant in disease. Therefore, it has been classified as a Variant of Uncertain Significance. Algorithms developed to predict the effect of missense changes on protein structure and function are either unavailable or do not agree on the potential impact of this missense change (SIFT: "Deleterious"; PolyPhen-2: "Possibly Damaging"; Align-GVGD: "Class C15"). ClinVar contains an entry for this variant (Variation ID: 595965). This variant has not been reported in the literature in individuals affected with ABCG8-related conditions. This variant is present in population databases (rs766529813, gnomAD 0.02%). This sequence change replaces lysine, which is basic and polar, with methionine, which is neutral and non-polar, at codon 72 of the ABCG8 protein (p.Lys72Met).

Eurofins Ntd Llc (ga)
Classification: Uncertain significance. Last evaluated: 2018-02-01. Review status: criteria provided, single submitter. Criteria: EGL Classification Definitions 2015. Collection method: clinical testing. Allele origin: germline. Observed: 1 variant allele, 1 heterozygote.